The following is an entry in ClinVar:

NM_002769.5(PRSS1):c.283C>A (p.Arg95Ser)

Genes: TRB (T cell receptor beta locus; plus strand), PRSS1 (serine protease 1; plus strand). Cytogenetic location: 7q34.
Variant type: single nucleotide variant.
Coding change: c.283C>A on transcript NM_002769.5 (MANE Select); coding-DNA position 283, C replaced by A.
Protein change: p.Arg95Ser; replaces arginine 95 with serine.
Molecular consequence: missense variant. On other transcripts: non-coding transcript variant (4).
Genome position (GRCh38, 1-based): chr7:142,751,856, C>A. VCF-style: chr7-142751856-C-A. GRCh37 (hg19) VCF-style: chr7-142459707-C-A.
Other names: short protein forms R95S.
Identifiers: ClinVar variation 2819718 (VCV002819718.3), dbSNP rs201775810, ClinGen allele CA369608652.

ClinVar aggregate classification (germline): Uncertain significance (1 of 4 stars; one submission).

Conditions:
Hereditary pancreatitis (PCTT). Also called: PRSS1-Related Hereditary Pancreatitis; Hereditary chronic pancreatitis. Identifiers: Orphanet 676, MedGen C0238339, MONDO:0008185, OMIM 167800.

Submission:

Labcorp Genetics (formerly Invitae), Labcorp
Classification: Uncertain significance for Hereditary pancreatitis. Last evaluated: 2022-12-09. Review status: criteria provided, single submitter. Criteria: Invitae Variant Classification Sherloc (09022015). Collection method: clinical testing. Allele origin: germline.
Comment: In summary, the available evidence is currently insufficient to determine the role of this variant in disease. Therefore, it has been classified as a Variant of Uncertain Significance. Advanced modeling of protein sequence and biophysical properties (such as structural, functional, and spatial information, amino acid conservation, physicochemical variation, residue mobility, and thermodynamic stability) performed at Invitae indicates that this missense variant is not expected to disrupt PRSS1 protein function. This variant has not been reported in the literature in individuals affected with PRSS1-related conditions. This variant is not present in population databases (gnomAD no frequency). This sequence change replaces arginine, which is basic and polar, with serine, which is neutral and polar, at codon 95 of the PRSS1 protein (p.Arg95Ser).